The following is an entry in ClinVar:

ClinVar aggregate classification (germline): Uncertain significance. Review status: criteria provided, multiple submitters, no conflicts (2 of 4 stars). 3 submissions from 3 submitters: Uncertain significance (3). Last evaluated 2024-02-12.

Conditions:
Idiopathic Pulmonary Fibrosis. Also called: Idiopathic fibrosing alveolitis, chronic form; idiopathic fibrosing alveolitis. Identifiers: Orphanet 2032, MedGen C1800706, MeSH D054990, MONDO:0800504.
Dyskeratosis congenita, autosomal dominant 2. Identifiers: MedGen C3151443, MONDO:0013521, OMIM 613989.
Dyskeratosis congenita. Identifiers: Orphanet 1775, MedGen C0265965, MONDO:0015780.

Allele frequency attached by ClinVar (database versions not stated): TOPMed below 0.00001.

Submissions (3):

Ambry Genetics
Classification: Uncertain significance for Dyskeratosis congenita. Last evaluated: 2024-02-12. Review status: criteria provided, single submitter. Criteria: Ambry Variant Classification Scheme 2023. Collection method: clinical testing. Allele origin: germline.
Comment: The p.R385C variant (also known as c.1153C>T), located in coding exon 2 of the TERT gene, results from a C to T substitution at nucleotide position 1153. The arginine at codon 385 is replaced by cysteine, an amino acid with highly dissimilar properties. This amino acid position is conserved. In addition, this alteration is predicted to be deleterious by in silico analysis. Based on the available evidence, the clinical significance of this alteration remains unclear.

Genetic Services Laboratory, University of Chicago
Classification: Uncertain significance. Last evaluated: 2021-01-21. Review status: criteria provided, single submitter. Criteria: ACMG Guidelines, 2015. Collection method: clinical testing. Allele origin: germline. Affected: no.
Comment: DNA sequence analysis of the TERT gene demonstrated a sequence change, c.1153C>T, in exon 2 that results in an amino acid change, p.Arg385Cys. This sequence change does not appear to have been previously described in patients with TERT-related disorders and has also not been described in the large population databases such as EXAC and gnomAD. The p.Arg385Cys change affects a highly conserved amino acid residue located in a domain of the TERT protein that is not known to be functional. The p.Arg385Cys substitution appears to be deleterious using several in-silico pathogenicity prediction tools (SIFT, PolyPhen2, Align GVGD, REVEL). Due to these contrasting evidences and the lack of functional studies, the clinical significance of the p.Arg385Cys change remains unknown at this time.

Labcorp Genetics (formerly Invitae), Labcorp
Classification: Uncertain significance for Dyskeratosis congenita, autosomal dominant 2; Idiopathic Pulmonary Fibrosis. Last evaluated: 2019-05-24. Review status: criteria provided, single submitter. Criteria: Invitae Variant Classification Sherloc (09022015). Collection method: clinical testing. Allele origin: germline.
Comment: In summary, the available evidence is currently insufficient to determine the role of this variant in disease. Therefore, it has been classified as a Variant of Uncertain Significance. Algorithms developed to predict the effect of missense changes on protein structure and function (SIFT, PolyPhen-2, Align-GVGD) all suggest that this variant is likely to be disruptive, but these predictions have not been confirmed by published functional studies and their clinical significance is uncertain. This variant has not been reported in the literature in individuals with TERT-related conditions. This variant is not present in population databases (ExAC no frequency). This sequence change replaces arginine with cysteine at codon 385 of the TERT protein (p.Arg385Cys). The arginine residue is highly conserved and there is a large physicochemical difference between arginine and cysteine.

NM_198253.3(TERT):c.1153C>T (p.Arg385Cys)

Gene: TERT (telomerase reverse transcriptase; minus strand). Cytogenetic location: 5p15.33.
Variant type: single nucleotide variant.
Coding change: c.1153C>T on transcript NM_198253.3 (MANE Select); coding-DNA position 1153, C replaced by T.
Protein change: p.Arg385Cys; replaces arginine 385 with cysteine.
Molecular consequence: missense variant. On other transcripts: non-coding transcript variant (2).
Genome position (GRCh38, 1-based): chr5:1,293,733, G>A on the plus strand (C>T on the coding strand, the complement: TERT is on the minus strand). VCF-style: chr5-1293733-G-A. GRCh37 (hg19) VCF-style: chr5-1293848-G-A.
Other names: c.1153C>T, p.Arg385Cys (NM_001193376.3); short protein forms R385C.
Identifiers: ClinVar variation 950782 (VCV000950782.15), dbSNP rs1751156834, ClinGen allele CA359086720.